The following is an entry in ClinVar:

NM_000535.7(PMS2):c.1880A>C (p.Lys627Thr)

Gene: PMS2 (PMS1 homolog 2, mismatch repair system component; minus strand). Cytogenetic location: 7p22.1.
Variant type: single nucleotide variant.
Coding change: c.1880A>C on transcript NM_000535.7 (MANE Select); coding-DNA position 1880, A replaced by C.
Protein change: p.Lys627Thr; replaces lysine 627 with threonine.
Molecular consequence: missense variant. On other transcripts: non-coding transcript variant (1).
Genome position (GRCh38, 1-based): chr7:5,986,885, T>G on the plus strand (A>C on the coding strand, the complement: PMS2 is on the minus strand). VCF-style: chr7-5986885-T-G. GRCh37 (hg19) VCF-style: chr7-6026516-T-G.
Other names: c.1475A>C, p.Lys492Thr (NM_001018040.1, NM_001322003.2, NM_001322004.2 and 17 more transcripts); c.1724A>C, p.Lys575Thr (NM_001322006.2, NM_001406870.1); c.1562A>C, p.Lys521Thr (NM_001322007.2, NM_001322008.2, NM_001406876.1 and 2 more transcripts); c.1319A>C, p.Lys440Thr (NM_001322010.2, NM_001406906.1, NM_001406907.1); c.947A>C, p.Lys316Thr (NM_001322011.2, NM_001322012.2); c.1307A>C, p.Lys436Thr (NM_001322013.2, NM_001406909.1); c.1880A>C, p.Lys627Thr (NM_001322014.2, NM_001406871.1, NM_001406872.1); c.1571A>C, p.Lys524Thr (NM_001322015.2, NM_001406875.1, NM_001406877.1 and 5 more transcripts); and 12 more; short protein forms K370T, K456T, K515T, K575T, K591T, K627T, K436T, K469T.
Identifiers: ClinVar variation 1781881 (VCV001781881.2), dbSNP rs2128721881, ClinGen allele CA366739454.
Genomic context (GRCh38, chr7:5,986,885, plus strand): 5'-TTCCTGTAATTCTGTTCCCCTTCACTTTGCTGTGCTTCATGATGTAACTGCTTTATTCGT[T>G]TAGCTAAAGAACTCATAGAAAAGTCCAGGGGCACAACTTTCTTATTAATTTTCACAGCTA-3'
Protein context (NP_000526.2, residues 617-637): PLDFSMSSLA[Lys627Thr]RIKQLHHEAQ

ClinVar aggregate classification (germline): Uncertain significance (1 of 4 stars; one submission).

Conditions:
Hereditary cancer-predisposing syndrome. Also called: Neoplastic Syndromes, Hereditary; Tumor predisposition; Hereditary Cancer Syndrome; Hereditary neoplastic syndrome. Identifiers: Orphanet 140162, MedGen C0027672, MeSH D009386, MONDO:0015356.

Submission:

Ambry Genetics
Classification: Uncertain significance for Hereditary cancer-predisposing syndrome. Last evaluated: 2018-07-09. Review status: criteria provided, single submitter. Criteria: Ambry Variant Classification Scheme 2023. Collection method: clinical testing. Allele origin: germline.
Comment: The p.K627T variant (also known as c.1880A>C), located in coding exon 11 of the PMS2 gene, results from an A to C substitution at nucleotide position 1880. The lysine at codon 627 is replaced by threonine, an amino acid with similar properties. This amino acid position is not well conserved in available vertebrate species. In addition, this alteration is predicted to be tolerated by in silico analysis. Since supporting evidence is limited at this time, the clinical significance of this alteration remains unclear.